The following is an entry in ClinVar:

ClinVar aggregate classification (germline): Uncertain significance (1 of 4 stars; one submission).

Conditions:
Ullrich congenital muscular dystrophy 2 (UCMD2). Identifiers: Orphanet 75840, MedGen C4225314, MONDO:0014654, OMIM 616470.
Bethlem myopathy 2 (BTHLM2). Identifiers: Orphanet 536516, Orphanet 610, MedGen C4225313, MONDO:0034022, OMIM 616471.

gnomAD v4.1: 4 of 1,564,342 alleles (0.00026%); highest among the groups gnomAD compares: Middle Eastern, 0.017%; no homozygotes.

Submission:

Labcorp Genetics (formerly Invitae), Labcorp
Classification: Uncertain significance for Bethlem myopathy 2; Ullrich congenital muscular dystrophy 2. Last evaluated: 2025-01-01. Review status: criteria provided, single submitter. Criteria: Invitae Variant Classification Sherloc (09022015). Collection method: clinical testing. Allele origin: germline.
Comment: This sequence change replaces aspartic acid, which is acidic and polar, with asparagine, which is neutral and polar, at codon 2781 of the COL12A1 protein (p.Asp2781Asn). This variant is not present in population databases (gnomAD no frequency). This variant has not been reported in the literature in individuals affected with COL12A1-related conditions. Invitae Evidence Modeling of protein sequence and biophysical properties (such as structural, functional, and spatial information, amino acid conservation, physicochemical variation, residue mobility, and thermodynamic stability) indicates that this missense variant is not expected to disrupt COL12A1 protein function with a negative predictive value of 80%. In summary, the available evidence is currently insufficient to determine the role of this variant in disease. Therefore, it has been classified as a Variant of Uncertain Significance.

NM_004370.6(COL12A1):c.8341G>A (p.Asp2781Asn)

Gene: COL12A1 (collagen type XII alpha 1 chain; minus strand). Cytogenetic location: 6q13.
Variant type: single nucleotide variant.
Coding change: c.8341G>A on transcript NM_004370.6 (MANE Select); coding-DNA position 8341, G replaced by A.
Protein change: p.Asp2781Asn; replaces aspartic acid 2781 with asparagine.
Molecular consequence: missense variant.
Genome position (GRCh38, 1-based): chr6:75,102,671, C>T on the plus strand (G>A on the coding strand, the complement: COL12A1 is on the minus strand). VCF-style: chr6-75102671-C-T. GRCh37 (hg19) VCF-style: chr6-75812387-C-T.
Other names: c.8341G>A, p.Asp2781Asn (NM_001424113.1); c.8320G>A, p.Asp2774Asn (NM_001424114.1); c.8068G>A, p.Asp2690Asn (NM_001424115.1); c.4849G>A, p.Asp1617Asn (NM_001424116.1, NM_080645.3); short protein forms D1617N, D2690N, D2774N, D2781N.
Identifiers: ClinVar variation 3761197 (VCV003761197.2).